The following is an entry in ClinVar:

NM_001276270.2(MBD4):c.389A>T (p.Lys130Ile)

Gene: MBD4 (methyl-CpG binding domain 4, DNA glycosylase; minus strand). Cytogenetic location: 3q21.3.
Variant type: single nucleotide variant.
Coding change: c.389A>T on transcript NM_001276270.2 (MANE Select); coding-DNA position 389, A replaced by T.
Protein change: p.Lys130Ile; replaces lysine 130 with isoleucine.
Molecular consequence: missense variant. On other transcripts: intron variant (1).
Genome position (GRCh38, 1-based): chr3:129,437,255, T>A on the plus strand (A>T on the coding strand, the complement: MBD4 is on the minus strand). VCF-style: chr3-129437255-T-A. GRCh37 (hg19) VCF-style: chr3-129156098-T-A.
Other names: c.389A>T, p.Lys130Ile (NM_001276271.2, NM_001276272.2, NM_003925.3); c.247+553A>T (NM_001276273.2); short protein forms K130I.
Identifiers: ClinVar variation 4624417 (VCV004624417.1).

ClinVar aggregate classification (germline): Uncertain significance (1 of 4 stars; one submission).

Conditions:
Inborn genetic diseases. Identifiers: MedGen C0950123, MeSH D030342.

Submission:

Ambry Genetics
Classification: Uncertain significance for Inborn genetic diseases. Last evaluated: 2025-11-09. Review status: criteria provided, single submitter. Criteria: Ambry Variant Classification Scheme 2023. Collection method: clinical testing. Allele origin: germline.
Comment: The p.K130I variant (also known as c.389A>T), located in coding exon 3 of the MBD4 gene, results from an A to T substitution at nucleotide position 389. The lysine at codon 130 is replaced by isoleucine, an amino acid with dissimilar properties. This amino acid position is conserved. In addition, the in silico prediction for this alteration is inconclusive. Based on the available evidence, the clinical significance of this variant remains unclear.